The following is an entry in ClinVar:

NM_000388.4(CASR):c.1426C>T (p.Gln476Ter)

Gene: CASR (calcium sensing receptor; plus strand). Cytogenetic location: 3q21.1.
Variant type: single nucleotide variant.
Coding change: c.1426C>T on transcript NM_000388.4 (MANE Select); coding-DNA position 1426, C replaced by T.
Protein change: p.Gln476Ter; replaces glutamine 476 with a stop codon.
Molecular consequence: nonsense.
Genome position (GRCh38, 1-based): chr3:122,275,860, C>T. VCF-style: chr3-122275860-C-T. GRCh37 (hg19) VCF-style: chr3-121994707-C-T.
Other names: c.1426C>T, p.Gln476Ter (NM_001178065.2); short protein forms Q476*.
Identifiers: ClinVar variation 3760199 (VCV003760199.2).

ClinVar aggregate classification (germline): Pathogenic (1 of 4 stars; one submission).

Conditions:
Autosomal dominant hypocalcemia 1 (HYPOC1). Also called: HYPOCALCEMIA, FAMILIAL. Identifiers: MedGen C3715128, MONDO:0011013, OMIM 601198.
Familial hypocalciuric hypercalcemia (FHH). Also called: Familial benign hypercalcemia. Identifiers: Orphanet 405, MedGen C1809471, MONDO:0018458.

Submission:

Labcorp Genetics (formerly Invitae), Labcorp
Classification: Pathogenic for Familial hypocalciuric hypercalcemia; Autosomal dominant hypocalcemia 1. Last evaluated: 2024-12-30. Review status: criteria provided, single submitter. Criteria: Invitae Variant Classification Sherloc (09022015). Collection method: clinical testing. Allele origin: germline.
Comment: This sequence change creates a premature translational stop signal (p.Gln476*) in the CASR gene. It is expected to result in an absent or disrupted protein product. Loss-of-function variants in CASR are known to be pathogenic (PMID: 11807402, 14985373, 22422767). This variant is not present in population databases (gnomAD no frequency). This variant has not been reported in the literature in individuals affected with CASR-related conditions. For these reasons, this variant has been classified as Pathogenic.

Literature cited by the submitters: PubMed 11807402; PubMed 14985373; PubMed 22422767.